The following is an entry in ClinVar:

ClinVar aggregate classification (germline): Uncertain significance (1 of 4 stars; one submission).

Conditions:
Hereditary cancer-predisposing syndrome. Also called: Tumor predisposition; Hereditary neoplastic syndrome; Hereditary Cancer Syndrome; Neoplastic Syndromes, Hereditary. Identifiers: Orphanet 140162, MedGen C0027672, MeSH D009386, MONDO:0015356.

Allele frequency attached by ClinVar (database versions not stated): gnomAD exomes below 0.00001.
gnomAD v4.1: 1 of 1,613,498 alleles (0.000062%); highest among the groups gnomAD compares: Non-Finnish European, 0.000085%; no homozygotes.

Submission:

Ambry Genetics
Classification: Uncertain significance for Hereditary cancer-predisposing syndrome. Last evaluated: 2023-11-29. Review status: criteria provided, single submitter. Criteria: Ambry Variant Classification Scheme 2023. Collection method: clinical testing. Allele origin: germline.
Comment: The p.P865L variant (also known as c.2594C>T), located in coding exon 19 of the MSH3 gene, results from a C to T substitution at nucleotide position 2594. The proline at codon 865 is replaced by leucine, an amino acid with similar properties. This amino acid position is conserved. In addition, this alteration is predicted to be deleterious by in silico analysis. Since supporting evidence is limited at this time, the clinical significance of this alteration remains unclear.

NM_002439.5(MSH3):c.2594C>T (p.Pro865Leu)

Gene: MSH3 (mutS homolog 3; plus strand). Cytogenetic location: 5q14.1.
Variant type: single nucleotide variant.
Coding change: c.2594C>T on transcript NM_002439.5 (MANE Select); coding-DNA position 2594, C replaced by T.
Protein change: p.Pro865Leu; replaces proline 865 with leucine.
Molecular consequence: missense variant.
Genome position (GRCh38, 1-based): chr5:80,792,783, C>T. VCF-style: chr5-80792783-C-T. GRCh37 (hg19) VCF-style: chr5-80088602-C-T.
Other names: short protein forms P865L.
Identifiers: ClinVar variation 3222270 (VCV003222270.1), dbSNP rs2546786780, ClinGen allele CA360272938.